The following is an entry in ClinVar:

ClinVar aggregate classification (germline): Conflicting classifications of pathogenicity. Review status: criteria provided, conflicting classifications (1 of 4 stars). 5 submissions from 5 submitters: Pathogenic (1); Uncertain significance (3). 1 of the submissions does not count toward it. Last evaluated 2025-10-25.

Conditions:
Tietz syndrome (TADS). Also called: TIETZ ALBINISM-DEAFNESS SYNDROME; ALBINISM-DEAFNESS OF TIETZ; HYPOPIGMENTATION/DEAFNESS OF TIETZ. Identifiers: Orphanet 42665, MedGen C0391816, MONDO:0007077, OMIM 103500.
Waardenburg syndrome type 2A (WS2A). Also called: WAARDENBURG SYNDROME WITHOUT DYSTOPIA CANTHORUM. Identifiers: Orphanet 3440, MedGen C1860339, MONDO:0008671, OMIM 193510.
Melanoma, cutaneous malignant, susceptibility to, 8. Also called: MELANOMA AND RENAL CELL CARCINOMA, SUSCEPTIBILITY TO; Cutaneous malignant melanoma 8. Identifiers: Orphanet 293822, MedGen C3152204, MONDO:0013759, OMIM 614456.

gnomAD v4.1: 2 of 1,613,952 alleles (0.00012%); highest among the groups gnomAD compares: Non-Finnish European, 0.000085%; no homozygotes.

Submissions (5):

Labcorp Genetics (formerly Invitae), Labcorp
Classification: Uncertain significance for Melanoma, cutaneous malignant, susceptibility to, 8; Waardenburg syndrome type 2A; Tietz syndrome. Last evaluated: 2025-10-25. Review status: criteria provided, single submitter. Criteria: Invitae Variant Classification Sherloc (09022015). Collection method: clinical testing. Allele origin: germline.
Comment: This sequence change replaces arginine, which is basic and polar, with glycine, which is neutral and non-polar, at codon 240 of the MITF protein (p.Arg240Gly). This variant is not present in population databases (gnomAD no frequency). This missense change has been observed in individual(s) with clinical features of MITF-related conditions (PMID: 29484430, 30394532, 33724713). This variant is also known as p.Arg341Gly. ClinVar contains an entry for this variant (Variation ID: 545117). Invitae Evidence Modeling of protein sequence and biophysical properties (such as structural, functional, and spatial information, amino acid conservation, physicochemical variation, residue mobility, and thermodynamic stability) indicates that this missense variant is expected to disrupt MITF protein function with a positive predictive value of 80%. In summary, the available evidence is currently insufficient to determine the role of this variant in disease. Therefore, it has been classified as a Variant of Uncertain Significance.

Laboratory of Prof. Karen Avraham, Tel Aviv University
Classification: Pathogenic for Waardenburg syndrome type 2A. Last evaluated: 2024-08-20. Review status: criteria provided, single submitter. Criteria: ACMG Guidelines, 2015. Collection method: research. Allele origin: germline. Affected: yes. Observed: 3 variant alleles.
Comment: An autosomal dominnat, pathogenic variant based on Deafness Variation Database, ClinVar and PMID: 29484430.

Blueprint Genetics
Classification: Uncertain significance. Last evaluated: 2021-06-09. Review status: criteria provided, single submitter. Criteria: ACMG Guidelines, 2015. Collection method: clinical testing. Allele origin: germline.

GeneDx
Classification: Uncertain significance. Last evaluated: 2019-05-01. Review status: criteria provided, single submitter. Criteria: GeneDx Variant Classification Process June 2021. Collection method: clinical testing. Allele origin: germline. Affected: yes.
Comment: Not observed in large population cohorts (Lek et al., 2016); In silico analysis, which includes protein predictors and evolutionary conservation, supports a deleterious effect; Identified in siblings with nonsyndromic hearing loss and their unaffected mother in the published literature (Zhang et al., 2018); This variant is associated with the following publications: (PMID: 29484430, 30394532)

Kasturba Medical College, Manipal, Kasturba Medical College, Manipal, Manipal Academy of Higher Education, Manipal, India
Classification: Likely pathogenic for Waardenburg syndrome type 2A; Tietz syndrome. Last evaluated: 2018-05-15. Review status: no assertion criteria provided. Collection method: research. Allele origin: inherited. Inheritance: Autosomal recessive inheritance. Affected: yes. Observed: 1 variant allele, 1 homozygote. Not counted in ClinVar's aggregate classification.

Literature cited by the submitters: PubMed 29484430 (cited by Labcorp Genetics (formerly Invitae), Labcorp); PubMed 30394532 (cited by Labcorp Genetics (formerly Invitae), Labcorp); PubMed 33724713 (cited by Labcorp Genetics (formerly Invitae), Labcorp).

NM_001354604.2(MITF):c.1039C>G (p.Arg347Gly)

Gene: MITF (melanocyte inducing transcription factor; plus strand). Cytogenetic location: 3p13.
Variant type: single nucleotide variant.
Coding change: c.1039C>G on transcript NM_001354604.2 (MANE Select); coding-DNA position 1039, C replaced by G.
Protein change: p.Arg347Gly; replaces arginine 347 with glycine.
Molecular consequence: missense variant.
Genome position (GRCh38, 1-based): chr3:69,959,280, C>G. VCF-style: chr3-69959280-C-G. GRCh37 (hg19) VCF-style: chr3-70008431-C-G.
Other names: c.718C>G, p.Arg240Gly (NM_000248.4); c.865C>G, p.Arg289Gly (NM_001184967.2, NM_001354608.2); c.1036C>G, p.Arg346Gly (NM_001354605.2); c.1018C>G, p.Arg340Gly (NM_001354606.2, NM_006722.3); c.970C>G, p.Arg324Gly (NM_001354607.2); c.700C>G, p.Arg234Gly (NM_198158.3); c.1021C>G, p.Arg341Gly (NM_198159.3); c.973C>G, p.Arg325Gly (NM_198177.3); and 1 more; short protein forms R240G, R341G, R289G, R347G, R324G, R340G, R178G, R234G.
Identifiers: ClinVar variation 545117 (VCV000545117.10), dbSNP rs1559751245, ClinGen allele CA353561887.